The following is an entry in ClinVar:

ClinVar aggregate classification (germline): Uncertain significance (1 of 4 stars; one submission).

Conditions:
Zellweger spectrum disorders (ZS). Also called: Zellweger Spectrum Disorder (ZSD); Zellweger syndrome; Zellweger Spectrum Disorder; Zellweger Spectrum. Identifiers: Orphanet 912, MedGen C0043459, MONDO:0019609.

Allele frequency attached by ClinVar (database versions not stated): TOPMed below 0.00001; gnomAD 0.00001; gnomAD exomes 0.00001.
gnomAD v4.1: 12 of 1,613,994 alleles (0.00074%); highest among the groups gnomAD compares: Non-Finnish European, 0.001%; no homozygotes.

Submission:

Labcorp Genetics (formerly Invitae), Labcorp
Classification: Uncertain significance for Zellweger spectrum disorders. Last evaluated: 2022-02-08. Review status: criteria provided, single submitter. Criteria: Invitae Variant Classification Sherloc (09022015). Collection method: clinical testing. Allele origin: germline.
Comment: This sequence change replaces phenylalanine, which is neutral and non-polar, with leucine, which is neutral and non-polar, at codon 57 of the PEX1 protein (p.Phe57Leu). This variant is not present in population databases (gnomAD no frequency). This variant has not been reported in the literature in individuals affected with PEX1-related conditions. Algorithms developed to predict the effect of missense changes on protein structure and function are either unavailable or do not agree on the potential impact of this missense change (SIFT: "Tolerated"; PolyPhen-2: "Possibly Damaging"; Align-GVGD: "Class C0"). In summary, the available evidence is currently insufficient to determine the role of this variant in disease. Therefore, it has been classified as a Variant of Uncertain Significance.

NM_000466.3(PEX1):c.169T>C (p.Phe57Leu)

Gene: PEX1 (peroxisomal biogenesis factor 1; minus strand). Cytogenetic location: 7q21.2.
Variant type: single nucleotide variant.
Coding change: c.169T>C on transcript NM_000466.3 (MANE Select); coding-DNA position 169, T replaced by C.
Protein change: p.Phe57Leu; replaces phenylalanine 57 with leucine.
Molecular consequence: missense variant. On other transcripts: 5 prime UTR variant (1).
Genome position (GRCh38, 1-based): chr7:92,522,206, A>G on the plus strand (T>C on the coding strand, the complement: PEX1 is on the minus strand). VCF-style: chr7-92522206-A-G. GRCh37 (hg19) VCF-style: chr7-92151520-A-G.
Other names: c.169T>C, p.Phe57Leu (NM_001282677.2); c.-491T>C (NM_001282678.2); short protein forms F57L.
Identifiers: ClinVar variation 1403170 (VCV001403170.5), dbSNP rs1162642408, ClinGen allele CA368205117.